The following is an entry in ClinVar:

ClinVar aggregate classification (germline): Likely benign. Review status: criteria provided, multiple submitters, no conflicts (2 of 4 stars). 2 submissions from 2 submitters: Likely benign (2). Last evaluated 2025-03-25.

Conditions:
Familial cancer of breast. Also called: hereditary breast carcinoma; BREAST CANCER, FAMILIAL; Hereditary breast cancer. Identifiers: Orphanet 227535, MedGen C0346153, MONDO:0016419, OMIM 114480. Disease mechanism: loss of function.

Submissions (2):

Labcorp Genetics (formerly Invitae), Labcorp
Classification: Likely benign for Familial cancer of breast. Last evaluated: 2025-03-25. Review status: criteria provided, single submitter. Criteria: Invitae Variant Classification Sherloc (09022015). Collection method: clinical testing. Allele origin: germline.

Myriad Genetics, Inc.
Classification: Likely benign for Familial cancer of breast. Last evaluated: 2024-10-08. Review status: criteria provided, single submitter. Criteria: Myriad Autosomal Dominant, Autosomal Recessive and X-Linked Classification Criteria (2023). Collection method: clinical testing. Allele origin: unknown.
Comment: This variant is considered likely benign. This variant is intronic and is not expected to impact mRNA splicing.

NM_007194.4(CHEK2):c.1376-13A>T

Gene: CHEK2 (checkpoint kinase 2; minus strand). Cytogenetic location: 22q12.1.
Variant type: single nucleotide variant.
Coding change: c.1376-13A>T on transcript NM_007194.4 (MANE Select); 13 bases into the intron before coding-DNA position 1376, A replaced by T.
Molecular consequence: intron variant.
Genome position (GRCh38, 1-based): chr22:28,694,130, T>A on the plus strand (A>T on the coding strand, the complement: CHEK2 is on the minus strand). VCF-style: chr22-28694130-T-A. GRCh37 (hg19) VCF-style: chr22-29090118-T-A.
Other names: c.713-13A>T (NM_001437942.1, NM_001257387.3); c.1175-13A>T (NM_001349956.3); c.1289-13A>T (NM_145862.3); c.1382-13A>T (NM_001438295.1); c.1469-13A>T (NM_001438293.1); c.1418-13A>T (NM_001438294.1); c.1505-13A>T (NM_001005735.3).
Identifiers: ClinVar variation 1591637 (VCV001591637.10), dbSNP rs1064793330, ClinGen allele CA2400237547.
Genomic context (GRCh38, chr22:28,694,130, plus strand): 5'-AACGTGCCTTTGGATCCACTACCAACAACTTCTTGACAAGGTCCAGAGCTAAAGCAACAA[T>A]TGGGCAAATCACAGTGAAAAGGATAAATATATTATCAGTAAGAGTATGCCAGAATTAACA-3'